The following is an entry in ClinVar:

NM_000222.3(KIT):c.26A>G (p.Asp9Gly)

Gene: KIT (KIT proto-oncogene, receptor tyrosine kinase; plus strand). Cytogenetic location: 4q12.
Variant type: single nucleotide variant.
Coding change: c.26A>G on transcript NM_000222.3 (MANE Select); coding-DNA position 26, A replaced by G.
Protein change: p.Asp9Gly; replaces aspartic acid 9 with glycine.
Molecular consequence: missense variant.
Genome position (GRCh38, 1-based): chr4:54,658,040, A>G. VCF-style: chr4-54658040-A-G. GRCh37 (hg19) VCF-style: chr4-55524207-A-G.
Other names: c.26A>G, p.Asp9Gly (NM_001093772.2, NM_001385284.1, NM_001385285.1 and 4 more transcripts); c.26A>G (NM_000222.2); short protein forms D9G.
Identifiers: ClinVar variation 1465614 (VCV001465614.7), dbSNP rs2109520961, ClinGen allele CA356897908.

ClinVar aggregate classification (germline): Uncertain significance. Review status: criteria provided, multiple submitters, no conflicts (2 of 4 stars). 2 submissions from 2 submitters: Uncertain significance (2). Last evaluated 2026-08-25.

Conditions:
Gastrointestinal stromal tumor. Also called: Gastrointestinal stromal tumor, somatic; Gastrointestinal stroma tumor. Identifiers: Orphanet 44890, MedGen C0238198, MeSH D046152, MONDO:0011719, OMIM 606764, HP:0100723.
Hereditary cancer-predisposing syndrome. Also called: Hereditary Cancer Syndrome; Tumor predisposition; Neoplastic Syndromes, Hereditary; Hereditary neoplastic syndrome. Identifiers: Orphanet 140162, MedGen C0027672, MeSH D009386, MONDO:0015356.

Allele frequency attached by ClinVar (database versions not stated): gnomAD exomes below 0.00001.
gnomAD v4.1: 1 of 1,613,500 alleles (0.000062%); highest among the groups gnomAD compares: Non-Finnish European, 0.000085%; no homozygotes.

Submissions (2):

Ambry Genetics
Classification: Uncertain significance for Hereditary cancer-predisposing syndrome. Last evaluated: 2026-08-25. Review status: criteria provided, single submitter. Criteria: Ambry Variant Classification Scheme 2023. Collection method: clinical testing. Allele origin: germline.
Comment: The p.D9G variant (also known as c.26A>G), located in coding exon 1 of the KIT gene, results from an A to G substitution at nucleotide position 26. The aspartic acid at codon 9 is replaced by glycine, an amino acid with similar properties. This amino acid position is well conserved in available vertebrate species. In addition, this alteration is predicted to be tolerated by in silico analysis. Based on the available evidence, the clinical significance of this variant remains unclear.

Labcorp Genetics (formerly Invitae), Labcorp
Classification: Uncertain significance for Gastrointestinal stromal tumor. Last evaluated: 2022-01-02. Review status: criteria provided, single submitter. Criteria: Invitae Variant Classification Sherloc (09022015). Collection method: clinical testing. Allele origin: germline.
Comment: In summary, the available evidence is currently insufficient to determine the role of this variant in disease. Therefore, it has been classified as a Variant of Uncertain Significance. Algorithms developed to predict the effect of missense changes on protein structure and function output the following: SIFT: "Tolerated"; PolyPhen-2: "Benign"; Align-GVGD: "Class C0". The glycine amino acid residue is found in multiple mammalian species, which suggests that this missense change does not adversely affect protein function. This variant has not been reported in the literature in individuals affected with KIT-related conditions. This variant is not present in population databases (gnomAD no frequency). This sequence change replaces aspartic acid, which is acidic and polar, with glycine, which is neutral and non-polar, at codon 9 of the KIT protein (p.Asp9Gly).